The following is an entry in ClinVar:

ClinVar aggregate classification (germline): Likely benign. Review status: criteria provided, multiple submitters, no conflicts (2 of 4 stars). 7 submissions from 6 submitters: Likely benign (7). Last evaluated 2025-12-15.

Conditions:
Syndactyly. Also called: Webbed fingers or toes. Identifiers: MedGen C0039075, MONDO:0021002, HP:0001159.
Spondylocostal dysostosis 1, autosomal recessive (SCDO1). Also called: DLL3-Related Spondylocostal Dysostosis, Autosomal Recessive. Identifiers: Orphanet 2311, MedGen CN032975, MONDO:0020692, OMIM 277300.

Allele frequency attached by ClinVar (database versions not stated): 1000 Genomes Project 0.00060; gnomAD 0.00153 and 0.00165; TOPMed 0.00163; ExAC 0.00164; 1000 Genomes Project 30x 0.00234.
gnomAD v4.1: 1,263 of 1,516,224 alleles (0.083%); highest among the groups gnomAD compares: East Asian, 1.1%; 5 homozygotes.

Submissions (7):

Labcorp Genetics (formerly Invitae), Labcorp
Classification: Likely benign. Last evaluated: 2025-12-15. Review status: criteria provided, single submitter. Criteria: Invitae Variant Classification Sherloc (09022015). Collection method: clinical testing. Allele origin: germline.

Blueprint Genetics
Classification: Likely benign. Last evaluated: 2024-11-27. Review status: criteria provided, single submitter. Criteria: ACMG Guidelines, 2015. Collection method: clinical testing. Allele origin: germline.

CeGaT Center for Human Genetics Tuebingen
Classification: Likely benign. Last evaluated: 2024-08-01. Review status: criteria provided, single submitter. Criteria: CeGaT Center For Human Genetics Tuebingen Variant Classification Criteria Version 2. Collection method: clinical testing. Allele origin: germline. Affected: yes. Observed: 1 variant allele.
Comment: DLL3: BP4, BP7, BS1

GeneDx
Classification: Likely benign. Last evaluated: 2021-05-03. Review status: criteria provided, single submitter. Criteria: GeneDx Variant Classification Process June 2021. Collection method: clinical testing. Allele origin: germline. Affected: yes.

ARUP Laboratories, Molecular Genetics and Genomics, ARUP Laboratories
Classification: Likely benign for Spondylocostal dysostosis 1, autosomal recessive. Last evaluated: 2019-08-29. Review status: criteria provided, single submitter. Criteria: ARUP Molecular Germline Variant Investigation Process. Collection method: clinical testing. Allele origin: germline.

Illumina Laboratory Services, Illumina
Classification: Likely benign for Non-syndromic syndactyly. Last evaluated: 2017-04-27. Review status: criteria provided, single submitter. Criteria: ICSL Variant Classification Criteria 13 December 2019. Collection method: clinical testing. Allele origin: germline.
Comment: This variant was observed as part of a predisposition screen in an ostensibly healthy population. A literature search was performed for the gene, cDNA change, and amino acid change (where applicable). No publications were found based on this search. Allele frequency data from public databases allowed determination this variant is unlikely to cause disease. Therefore, this variant is classified as likely benign.

Illumina Laboratory Services, Illumina
Classification: Likely benign for Spondylocostal dysostosis 1, autosomal recessive. Last evaluated: 2017-04-27. Review status: criteria provided, single submitter. Criteria: ICSL Variant Classification Criteria 13 December 2019. Collection method: clinical testing. Allele origin: germline.
Comment: the same text as in the submission from Illumina Laboratory Services, Illumina above.

NM_203486.3(DLL3):c.618C>T (p.Pro206=)

Genes: DLL3 (delta like canonical Notch ligand 3; plus strand), LOC130064417 (ATAC-STARR-seq lymphoblastoid silent region 10608; plus strand). Cytogenetic location: 19q13.2.
Variant type: single nucleotide variant.
Coding change: c.618C>T on transcript NM_203486.3 (MANE Select); coding-DNA position 618, C replaced by T.
Protein change: p.Pro206=; no amino-acid change (proline 206 retained).
Molecular consequence: synonymous variant.
Genome position (GRCh38, 1-based): chr19:39,503,023, C>T. VCF-style: chr19-39503023-C-T. GRCh37 (hg19) VCF-style: chr19-39993663-C-T.
Other names: c.618C>T, p.Pro206= (NM_016941.4).
Identifiers: ClinVar variation 329232 (VCV000329232.41), dbSNP rs192624990, ClinGen allele CA9432221.
Genomic context (GRCh38, chr19:39,503,023, plus strand): 5'-GTGCACGCGCCTCTGCCGTCCGCGCAGCGCCCCCTCGCGGTGCGGTCCGGGACTGCGCCC[C>T]TGCGCACCGCTCGAGGACGAATGTGAGGCGCCGCGTGAGTCCTGCGTTCGACCCCACCCC-3'
Protein context (NP_982353.1, residues 196-216): APSRCGPGLR[Pro206=]CAPLEDECEA